The following is an entry in ClinVar:

NM_005228.5(EGFR):c.2924C>A (p.Pro975His)

Gene: EGFR (epidermal growth factor receptor; plus strand). Cytogenetic location: 7p11.2.
Variant type: single nucleotide variant.
Coding change: c.2924C>A on transcript NM_005228.5 (MANE Select); coding-DNA position 2924, C replaced by A.
Protein change: p.Pro975His; replaces proline 975 with histidine.
Molecular consequence: missense variant.
Genome position (GRCh38, 1-based): chr7:55,200,391, C>A. VCF-style: chr7-55200391-C-A. GRCh37 (hg19) VCF-style: chr7-55268084-C-A.
Other names: c.2789C>A, p.Pro930His (NM_001346897.2, NM_001346899.2); c.2924C>A, p.Pro975His (NM_001346898.2); c.2765C>A, p.Pro922His (NM_001346900.2); c.2123C>A, p.Pro708His (NM_001346941.2); short protein forms P708H, P975H, P930H, P922H.
Identifiers: ClinVar variation 4247338 (VCV004247338.1).
Genomic context (GRCh38, chr7:55,200,391, plus strand): 5'-CAGATAGTCGCCCAAAGTTCCGTGAGTTGATCATCGAATTCTCCAAAATGGCCCGAGACC[C>A]CCAGCGCTACCTTGTCATTCAGGTACAAATTGCAGTCTGTGCTTCCATTGGGAAGAGTCC-3'
Protein context (NP_005219.2, residues 965-985): IIEFSKMARD[Pro975His]QRYLVIQGDE

ClinVar aggregate classification (germline): Uncertain significance (1 of 4 stars; one submission).

Conditions:
Hereditary cancer-predisposing syndrome. Also called: Hereditary Cancer Syndrome; Hereditary neoplastic syndrome; Neoplastic Syndromes, Hereditary; Tumor predisposition. Identifiers: Orphanet 140162, MedGen C0027672, MeSH D009386, MONDO:0015356.

Submission:

Ambry Genetics
Classification: Uncertain significance for Hereditary cancer-predisposing syndrome. Last evaluated: 2025-08-07. Review status: criteria provided, single submitter. Criteria: Ambry Variant Classification Scheme 2023. Collection method: clinical testing. Allele origin: germline.
Comment: The p.P975H variant (also known as c.2924C>A), located in coding exon 24 of the EGFR gene, results from a C to A substitution at nucleotide position 2924. The proline at codon 975 is replaced by histidine, an amino acid with similar properties. This amino acid position is conserved. In addition, the in silico prediction for this alteration is inconclusive. Based on the available evidence, the clinical significance of this variant remains unclear.